The following is an entry in ClinVar:

NM_001130009.3(GEN1):c.532C>A (p.His178Asn)

Gene: GEN1 (GEN1 structure-specific endonuclease; plus strand). Cytogenetic location: 2p24.2.
Variant type: single nucleotide variant.
Coding change: c.532C>A on transcript NM_001130009.3 (MANE Select); coding-DNA position 532, C replaced by A.
Protein change: p.His178Asn; replaces histidine 178 with asparagine.
Molecular consequence: missense variant.
Genome position (GRCh38, 1-based): chr2:17,766,585, C>A. VCF-style: chr2-17766585-C-A. GRCh37 (hg19) VCF-style: chr2-17947852-C-A.
Other names: c.532C>A, p.His178Asn (NM_182625.5); c.532C>A (NM_001130009.1); short protein forms H178N.
Identifiers: ClinVar variation 940824 (VCV000940824.10), dbSNP rs747865652, ClinGen allele CA1540466.
Genomic context (GRCh38, chr2:17,766,585, plus strand): 5'-TAATGTATAAATATGTACTTTTTGAGGATTAAACTAAATCTGTTCTTTCTTTAGGACCCA[C>A]ATGTTGACTGTTACACAATGTCATCTATCAAGAGTAAACTAGGTTTGGATAGAGATGCTC-3'
Protein context (NP_001123481.3, residues 168-188): RNFTMNTKDP[His178Asn]VDCYTMSSIK

ClinVar aggregate classification (germline): Uncertain significance. Review status: criteria provided, multiple submitters, no conflicts (2 of 4 stars). 4 submissions from 4 submitters: Uncertain significance (4). Last evaluated 2024-10-05.

Conditions:
GEN1-related prostate cancer.

Allele frequency attached by ClinVar (database versions not stated): gnomAD 0.00003; ExAC 0.00004; TOPMed 0.00005.
gnomAD v4.1: 74 of 1,565,094 alleles (0.0047%); highest among the groups gnomAD compares: African/African-American, 0.0014%; no homozygotes.

Submissions (4):

Ambry Genetics
Classification: Uncertain significance. Last evaluated: 2024-10-05. Review status: criteria provided, single submitter. Criteria: Ambry Variant Classification Scheme 2023. Collection method: clinical testing. Allele origin: germline.
Comment: The p.H178N variant (also known as c.532C>A), located in coding exon 4 of the GEN1 gene, results from a C to A substitution at nucleotide position 532. The histidine at codon 178 is replaced by asparagine, an amino acid with similar properties. This amino acid position is conserved. In addition, this alteration is predicted to be tolerated by in silico analysis. Based on the available evidence, the clinical significance of this variant remains unclear.

Labcorp Genetics (formerly Invitae), Labcorp
Classification: Uncertain significance. Last evaluated: 2024-08-14. Review status: criteria provided, single submitter. Criteria: Invitae Variant Classification Sherloc (09022015). Collection method: clinical testing. Allele origin: germline.
Comment: This sequence change replaces histidine, which is basic and polar, with asparagine, which is neutral and polar, at codon 178 of the GEN1 protein (p.His178Asn). This variant is present in population databases (rs747865652, gnomAD 0.1%), and has an allele count higher than expected for a pathogenic variant. This variant has not been reported in the literature in individuals affected with GEN1-related conditions. ClinVar contains an entry for this variant (Variation ID: 940824). An algorithm developed to predict the effect of missense changes on protein structure and function (PolyPhen-2) suggests that this variant is likely to be disruptive. In summary, the available evidence is currently insufficient to determine the role of this variant in disease. Therefore, it has been classified as a Variant of Uncertain Significance.

Baylor Genetics
Classification: Uncertain significance for GEN1-related prostate cancer. Last evaluated: 2023-08-20. Review status: criteria provided, single submitter. Criteria: ACMG Guidelines, 2015. Collection method: clinical testing. Allele origin: unknown.

Breakthrough Genomics
Classification: Uncertain significance. Review status: criteria provided, single submitter. Criteria: ACMG Guidelines, 2015. Collection method: not provided. Allele origin: germline. Inheritance: Unknown mechanism. Affected: yes.